The following is an entry in ClinVar:

ClinVar aggregate classification (germline): Uncertain significance (1 of 4 stars; one submission).

Submission:

GeneDx
Classification: Uncertain significance. Last evaluated: 2018-05-22. Review status: criteria provided, single submitter. Criteria: GeneDx Variant Classification (06012015). Collection method: clinical testing. Allele origin: germline. Affected: yes.
Comment: The c.15_24dup10 variant in the SKI gene has not been reported previously as a pathogenic variant nor as a benign variant, to our knowledge. The c.15_24dup10 variant causes a frameshift starting with codon Glycine 9, changes this amino acid to a Arginine residue, and creates a premature Stop codon at position 224 of the new reading frame, denoted p.Gly9ArgfsX224. This variant is predicted to cause loss of normal protein function either through protein truncation or nonsense-mediated mRNA decay. The c.15_24dup10 variant is not observed in large population cohorts (Lek et al., 2016). We interpret c.15_24dup10 as a variant of uncertain significance, which may be related to the developmental delay and mild dysmorphic features reported in this individual.

NM_003036.4(SKI):c.15_24dup (p.Gly9fs)

Gene: SKI (SKI proto-oncogene; plus strand). Cytogenetic location: 1p36.33.
Variant type: Duplication.
Coding change: c.15_24dup on transcript NM_003036.4 (MANE Select); coding-DNA positions 15 to 24, 10 bases duplicated (AGGCGGCCGC; older notation c.15_24dupAGGCGGCCGC).
Protein change: p.Gly9fs; shifts the reading frame from glycine 9.
Molecular consequence: frameshift variant.
Genome position (GRCh38, 1-based): chr1:2,228,781-2,228,790, AGGCGGCCGC duplicated; duplicating any 10 consecutive bases within chr1:2,228,779-2,228,790 gives the same sequence; the c. name uses the placement nearest the transcript's 3' end. VCF-style (leftmost placement, unchanged base first): chr1-2228778-G-GGCAGGCGGCC. GRCh37 (hg19) VCF-style: chr1-2160217-G-GGCAGGCGGCC.
Other names: c.15_24dupAGGCGGCCGC (NM_003036.3); short protein forms G9fs.
Identifiers: ClinVar variation 545922 (VCV000545922.2), dbSNP rs1553189805, ClinGen allele CA658820962.